The following is an entry in ClinVar:

NM_005360.5(MAF):c.486C>G (p.Ala162=)

Gene: MAF (MAF bZIP transcription factor; minus strand). Cytogenetic location: 16q23.2.
Variant type: single nucleotide variant.
Coding change: c.486C>G on transcript NM_005360.5 (MANE Select); coding-DNA position 486, C replaced by G.
Protein change: p.Ala162=; no amino-acid change (alanine 162 retained).
Molecular consequence: synonymous variant.
Genome position (GRCh38, 1-based): chr16:79,599,417, G>C on the plus strand (C>G on the coding strand, the complement: MAF is on the minus strand). VCF-style: chr16-79599417-G-C. GRCh37 (hg19) VCF-style: chr16-79633314-G-C.
Other names: c.486C>G, p.Ala162= (NM_001031804.3).
Identifiers: ClinVar variation 4534647 (VCV004534647.6).

ClinVar aggregate classification (germline): Likely benign (1 of 4 stars; one submission).

gnomAD v4.1: 18 of 1,165,676 alleles (0.0015%); highest among the groups gnomAD compares: East Asian, 0.004%; no homozygotes.

Submission:

CeGaT Center for Human Genetics Tuebingen
Classification: Likely benign. Last evaluated: 2025-11-01. Review status: criteria provided, single submitter. Criteria: CeGaT Center For Human Genetics Tuebingen Variant Classification Criteria Version 2. Collection method: clinical testing. Allele origin: germline. Affected: yes. Observed: 1 variant allele.
Comment: MAF: BP4, BP7